The following is an entry in ClinVar:

NM_020831.6(MRTFA):c.1782_1783delinsAA (p.Gln595Lys)

Gene: MRTFA (myocardin related transcription factor A; minus strand). Cytogenetic location: 22q13.1.
Variant type: Indel.
Coding change: c.1782_1783delinsAA on transcript NM_020831.6 (MANE Select); coding-DNA positions 1782 to 1783, GC replaced by AA.
Protein change: p.Gln595Lys; replaces glutamine 595 with lysine.
Molecular consequence: missense variant.
Genome position (GRCh38, 1-based): chr22:40,418,955-40,418,956, GC replaced by TT on the plus strand (GC replaced by AA on the coding strand, the reverse complement: MRTFA is on the minus strand). VCF-style: chr22-40418955-GC-TT. GRCh37 (hg19) VCF-style: chr22-40814959-GC-TT.
Other names: c.1482_1483delinsAA, p.Gln495Lys (NM_001282660.2); c.1632_1633delinsAA, p.Gln545Lys (NM_001282661.3); c.1587_1588delinsAA, p.Gln530Lys (NM_001318139.2); c.1782_1783delinsAA, p.Gln595Lys (NM_001282662.3); short protein forms Q495K, Q595K, Q530K, Q545K.
Identifiers: ClinVar variation 2835684 (VCV002835684.3), dbSNP rs2517816019, ClinGen allele CA2739267975.

ClinVar aggregate classification (germline): Uncertain significance (1 of 4 stars; one submission).

Submission:

Labcorp Genetics (formerly Invitae), Labcorp
Classification: Uncertain significance. Last evaluated: 2023-02-09. Review status: criteria provided, single submitter. Criteria: Invitae Variant Classification Sherloc (09022015). Collection method: clinical testing. Allele origin: germline.
Comment: Information on the frequency of this variant in the gnomAD database is not available, as this variant may be reported differently in the database. This variant has not been reported in the literature in individuals affected with MKL1-related conditions. Experimental studies and prediction algorithms are not available or were not evaluated, and the functional significance of this variant is currently unknown. In summary, the available evidence is currently insufficient to determine the role of this variant in disease. Therefore, it has been classified as a Variant of Uncertain Significance. This sequence change replaces glutamine, which is neutral and polar, with lysine, which is basic and polar, at codon 495 of the MKL1 protein (p.Gln495Lys).